The following is an entry in ClinVar:

NM_004168.4(SDHA):c.514G>A (p.Ala172Thr)

Gene: SDHA (succinate dehydrogenase complex flavoprotein subunit A; plus strand). Cytogenetic location: 5p15.33.
Variant type: single nucleotide variant.
Coding change: c.514G>A on transcript NM_004168.4 (MANE Select); coding-DNA position 514, G replaced by A.
Protein change: p.Ala172Thr; replaces alanine 172 with threonine.
Molecular consequence: missense variant.
Genome position (GRCh38, 1-based): chr5:225,940, G>A. VCF-style: chr5-225940-G-A. GRCh37 (hg19) VCF-style: chr5-226055-G-A.
Other names: c.370G>A, p.Ala124Thr (NM_001294332.2); c.514G>A, p.Ala172Thr (NM_001330758.2); short protein forms A124T, A172T.
Identifiers: ClinVar variation 944104 (VCV000944104.11), dbSNP rs1734991441, ClinGen allele CA359010151.

ClinVar aggregate classification (germline): Uncertain significance. Review status: criteria provided, multiple submitters, no conflicts (2 of 4 stars). 2 submissions from 2 submitters: Uncertain significance (2). Last evaluated 2024-04-14.

Conditions:
Mitochondrial complex II deficiency, nuclear type 1. Also called: SUCCINATE CoQ REDUCTASE DEFICIENCY. Identifiers: Orphanet 3208, MedGen C5700310, MONDO:0100294, OMIM 252011.
Pheochromocytoma/paraganglioma syndrome 5. Also called: Paragangliomas 5; SDHA-Related Hereditary Paraganglioma-Pheochromocytoma Syndrome. Identifiers: Orphanet 29072, MedGen C3279992, MONDO:0013602, OMIM 614165.

Submissions (2):

Quest Diagnostics Nichols Institute San Juan Capistrano
Classification: Uncertain significance. Last evaluated: 2024-04-14. Review status: criteria provided, single submitter. Criteria: Quest Diagnostics criteria. Collection method: clinical testing. Allele origin: unknown.
Comment: The SDHA c.514G>A (p.Ala172Thr) variant has not been reported in individuals with SDHA-related conditions in the published literature. It also has not been reported in large, multi-ethnic general populations (Genome Aggregation Database). Analysis of this variant using bioinformatics tools for the prediction of the effect of amino acid changes on protein structure and function yielded predictions that this variant is damaging. Based on the available information, we are unable to determine the clinical significance of this variant.

Labcorp Genetics (formerly Invitae), Labcorp
Classification: Uncertain significance for Pheochromocytoma/paraganglioma syndrome 5; Mitochondrial complex II deficiency, nuclear type 1. Last evaluated: 2024-03-15. Review status: criteria provided, single submitter. Criteria: Invitae Variant Classification Sherloc (09022015). Collection method: clinical testing. Allele origin: germline.
Comment: This sequence change replaces alanine, which is neutral and non-polar, with threonine, which is neutral and polar, at codon 172 of the SDHA protein (p.Ala172Thr). This variant is not present in population databases (gnomAD no frequency). This variant has not been reported in the literature in individuals affected with SDHA-related conditions. ClinVar contains an entry for this variant (Variation ID: 944104). Advanced modeling of protein sequence and biophysical properties (such as structural, functional, and spatial information, amino acid conservation, physicochemical variation, residue mobility, and thermodynamic stability) performed at Invitae indicates that this missense variant is not expected to disrupt SDHA protein function with a negative predictive value of 95%. In summary, the available evidence is currently insufficient to determine the role of this variant in disease. Therefore, it has been classified as a Variant of Uncertain Significance.